The following is an entry in ClinVar:

ClinVar aggregate classification (germline): Uncertain significance (1 of 4 stars; one submission).

Conditions:
Immunodeficiency 39 (IMD39). Identifiers: Orphanet 574918, MedGen C4225358, MONDO:0014597, OMIM 616345.

Submission:

Labcorp Genetics (formerly Invitae), Labcorp
Classification: Uncertain significance for Immunodeficiency 39. Last evaluated: 2019-06-07. Review status: criteria provided, single submitter. Criteria: Invitae Variant Classification Sherloc (09022015). Collection method: clinical testing. Allele origin: germline.
Comment: This sequence change falls in intron 1 of the IRF7 gene. It does not directly change the encoded amino acid sequence of the IRF7 protein, but it affects a nucleotide within the consensus splice site of the intron. The frequency data for this variant in the population databases is considered unreliable, as metrics indicate insufficient coverage at this position in the ExAC database. This variant has not been reported in the literature in individuals with IRF7-related conditions. Nucleotide substitutions within the consensus splice site are a relatively common cause of aberrant splicing (PMID: 17576681, 9536098). Algorithms developed to predict the effect of sequence changes on RNA splicing suggest that this variant may disrupt the consensus splice site, but this prediction has not been confirmed by published transcriptional studies. In summary, the available evidence is currently insufficient to determine the role of this variant in disease. Therefore, it has been classified as a Variant of Uncertain Significance.

NM_001572.5(IRF7):c.183+5_183+6delinsTA

Gene: IRF7 (interferon regulatory factor 7; minus strand). Cytogenetic location: 11p15.5.
Variant type: Indel.
Coding change: c.183+5_183+6delinsTA on transcript NM_001572.5 (MANE Select); bases 5 to 6 of the intron after coding-DNA position 183, GG replaced by TA.
Molecular consequence: intron variant.
Genome position (GRCh38, 1-based): chr11:615,091-615,092, CC replaced by TA on the plus strand (GG replaced by TA on the coding strand, the reverse complement: IRF7 is on the minus strand). VCF-style: chr11-615091-CC-TA. GRCh37 (hg19) VCF-style: chr11-615091-CC-TA.
Other names: c.183+5_183+6delinsTA (NM_004029.4); c.222+5_222+6delinsTA (NM_004031.4).
Identifiers: ClinVar variation 941956 (VCV000941956.1), dbSNP rs1856759233, ClinGen allele CA1139661734.